The following is an entry in ClinVar:

ClinVar aggregate classification (germline): Pathogenic (1 of 4 stars; one submission).

Submission:

Labcorp Genetics (formerly Invitae), Labcorp
Classification: Pathogenic. Last evaluated: 2023-06-23. Review status: criteria provided, single submitter. Criteria: Invitae Variant Classification Sherloc (09022015). Collection method: clinical testing. Allele origin: germline.
Comment: This sequence change creates a premature translational stop signal (p.Gly101*) in the COL4A4 gene. It is expected to result in an absent or disrupted protein product. Loss-of-function variants in COL4A4 are known to be pathogenic (PMID: 21196518, 24854265, 25307543). This variant is not present in population databases (gnomAD no frequency). This variant has not been reported in the literature in individuals affected with COL4A4-related conditions. For these reasons, this variant has been classified as Pathogenic.

Literature cited by the submitters: PubMed 21196518; PubMed 24854265; PubMed 25307543.

NM_000092.5(COL4A4):c.301G>T (p.Gly101Ter)

Gene: COL4A4 (collagen type IV alpha 4 chain; minus strand). Cytogenetic location: 2q36.3.
Variant type: single nucleotide variant.
Coding change: c.301G>T on transcript NM_000092.5 (MANE Select); coding-DNA position 301, G replaced by T.
Protein change: p.Gly101Ter; replaces glycine 101 with a stop codon.
Molecular consequence: nonsense.
Genome position (GRCh38, 1-based): chr2:227,121,040, C>A on the plus strand (G>T on the coding strand, the complement: COL4A4 is on the minus strand). VCF-style: chr2-227121040-C-A. GRCh37 (hg19) VCF-style: chr2-227985756-C-A.
Other names: short protein forms G101*.
Identifiers: ClinVar variation 2724031 (VCV002724031.3), dbSNP rs2476237771, ClinGen allele CA350863254.